The following is an entry in ClinVar:

ClinVar aggregate classification (germline): Uncertain significance (1 of 4 stars; one submission).

Conditions:
Hereditary pancreatitis (PCTT). Also called: Hereditary chronic pancreatitis; PRSS1-Related Hereditary Pancreatitis. Identifiers: Orphanet 676, MedGen C0238339, MONDO:0008185, OMIM 167800.

gnomAD v4.1: 2 of 1,614,200 alleles (0.00012%); highest among the groups gnomAD compares: Non-Finnish European, 0.00017%; no homozygotes.

Submission:

Labcorp Genetics (formerly Invitae), Labcorp
Classification: Uncertain significance for Hereditary pancreatitis. Last evaluated: 2025-12-17. Review status: criteria provided, single submitter. Criteria: Invitae Variant Classification Sherloc (09022015). Collection method: clinical testing. Allele origin: germline.
Comment: This sequence change falls in intron 5 of the CTRC gene. It does not directly change the encoded amino acid sequence of the CTRC protein. It affects a nucleotide within the consensus splice site. This variant is not present in population databases (gnomAD no frequency). This variant has not been reported in the literature in individuals affected with CTRC-related conditions. Variants that disrupt the consensus splice site are a relatively common cause of aberrant splicing (PMID: 17576681, 9536098). Algorithms developed to predict the effect of sequence changes on RNA splicing suggest that this variant may disrupt the consensus splice site. In summary, the available evidence is currently insufficient to determine the role of this variant in disease. Therefore, it has been classified as a Variant of Uncertain Significance.

Literature cited by the submitters: PubMed 17576681; PubMed 9536098.

NM_007272.3(CTRC):c.493+5G>A

Gene: CTRC (chymotrypsin C; plus strand). Cytogenetic location: 1p36.21.
Variant type: single nucleotide variant.
Coding change: c.493+5G>A on transcript NM_007272.3 (MANE Select); 5 bases into the intron after coding-DNA position 493, G replaced by A.
Molecular consequence: intron variant.
Genome position (GRCh38, 1-based): chr1:15,443,560, G>A. VCF-style: chr1-15443560-G-A. GRCh37 (hg19) VCF-style: chr1-15770055-G-A.
Identifiers: ClinVar variation 4749930 (VCV004749930.1).
Genomic context (GRCh38, chr1:15,443,560, plus strand): 5'-CTCCCTGCTCCCCAAGGACTACCCCTGCTATGTCACCGGCTGGGGCCGCCTCTGGAGTGA[G>A]TATCGTCCCTGGCAAATCCTGAGAGCCTTCCTGAAGGAAGCAGGACGTCACCCACATTTG-3'